The following is an entry in ClinVar:

NM_007214.5(SEC63):c.2134T>C (p.Leu712=)

Gene: SEC63 (SEC63 protein translocation regulator; minus strand). Cytogenetic location: 6q21.
Variant type: single nucleotide variant.
Coding change: c.2134T>C on transcript NM_007214.5 (MANE Select); coding-DNA position 2134, T replaced by C.
Protein change: p.Leu712=; no amino-acid change (leucine 712 retained).
Molecular consequence: synonymous variant.
Genome position (GRCh38, 1-based): chr6:107,872,813, A>G on the plus strand (T>C on the coding strand, the complement: SEC63 is on the minus strand). VCF-style: chr6-107872813-A-G. GRCh37 (hg19) VCF-style: chr6-108194017-A-G.
Identifiers: ClinVar variation 354890 (VCV000354890.15), dbSNP rs61733387, ClinGen allele CA3947146.

ClinVar aggregate classification (germline): Benign. Review status: criteria provided, multiple submitters, no conflicts (2 of 4 stars). 3 submissions from 3 submitters: Benign (2). 1 of the submissions does not count toward it. Last evaluated 2025-12-17.

Conditions:
Polycystic liver disease 2 (PCLD2). Also called: Polycystic liver disease 2 with or without kidney cysts. Identifiers: Orphanet 2924, MedGen C4310769, MONDO:0014860, OMIM 617004.
SEC63-related disorder. Also called: SEC63-related condition.

Allele frequency attached by ClinVar (database versions not stated): gnomAD exomes 0.00015 and 0.00040; 1000 Genomes Project 30x 0.00078; 1000 Genomes Project 0.00080; ExAC 0.00104; ESP Exome Variant Server 0.00179; TOPMed 0.00192; gnomAD 0.00194 and 0.00201.
gnomAD v4.1: 507 of 1,523,302 alleles (0.033%); highest among the groups gnomAD compares: African/African-American, 0.65%; 3 homozygotes.

Submissions (3):

Labcorp Genetics (formerly Invitae), Labcorp
Classification: Benign. Last evaluated: 2025-12-17. Review status: criteria provided, single submitter. Criteria: Invitae Variant Classification Sherloc (09022015). Collection method: clinical testing. Allele origin: germline.

Illumina Laboratory Services, Illumina
Classification: Benign for Polycystic liver disease 2. Last evaluated: 2018-01-12. Review status: criteria provided, single submitter. Criteria: ICSL Variant Classification Criteria 13 December 2019. Collection method: clinical testing. Allele origin: germline.
Comment: This variant was observed in the ICSL laboratory as part of a predisposition screen in an ostensibly healthy population. It had not been previously curated by ICSL or reported in the Human Gene Mutation Database (HGMD: prior to June 1st, 2018), and was therefore a candidate for classification through an automated scoring system. Utilizing variant allele frequency, disease prevalence and penetrance estimates, and inheritance mode, an automated score was calculated to assess if this variant is too frequent to cause the disease. Based on the score and internal cut-off values, a variant classified as benign is not then subjected to further curation. The score for this variant resulted in a classification of benign for this disease.

PreventionGenetics, part of Exact Sciences
Classification: Benign for SEC63-related condition. Last evaluated: 2024-06-28. Review status: no assertion criteria provided. Collection method: clinical testing. Allele origin: germline. Not counted in ClinVar's aggregate classification.
Comment: This variant is classified as benign based on ACMG/AMP sequence variant interpretation guidelines (Richards et al. 2015 PMID: 25741868, with internal and published modifications).